The following is an entry in ClinVar:

NM_025114.4(CEP290):c.2217+5G>T

Gene: CEP290 (centrosomal protein 290; minus strand). Cytogenetic location: 12q21.32.
Variant type: single nucleotide variant.
Coding change: c.2217+5G>T on transcript NM_025114.4 (MANE Select); 5 bases into the intron after coding-DNA position 2217, G replaced by T.
Molecular consequence: intron variant.
Genome position (GRCh38, 1-based): chr12:88,111,689, C>A on the plus strand (G>T on the coding strand, the complement: CEP290 is on the minus strand). VCF-style: chr12-88111689-C-A. GRCh37 (hg19) VCF-style: chr12-88505466-C-A.
Identifiers: ClinVar variation 2147594 (VCV002147594.4), dbSNP rs992339079, ClinGen allele CA606675827.
Genomic context (GRCh38, chr12:88,111,689, plus strand): 5'-AAAAATTTCCTATTAAATCTACATTCTTATGTTTAGCATTTTCTTTTATTTAATAAAATT[C>A]TCACCTTTAAATTAGCTTTTGCCAACTGCTGTGAATAATTTATAGCCTCTTTCCGAGATT-3'

ClinVar aggregate classification (germline): Uncertain significance (1 of 4 stars; one submission).

Conditions:
Joubert syndrome. Also called: CEREBELLOPARENCHYMAL DISORDER IV; JOUBERT-BOLTSHAUSER SYNDROME; Familial aplasia of the vermis. Identifiers: Orphanet 475, MedGen C5979921, MONDO:0018772.
Nephronophthisis. Also called: Juvenile Nephronophthisis. Identifiers: Orphanet 655, MedGen C0687120, MONDO:0019005, HP:0000090.
Meckel-Gruber syndrome. Also called: DYSENCEPHALIA SPLANCHNOCYSTICA; GRUBER SYNDROME; Dysencephalia splachnocystica. Identifiers: Orphanet 564, MedGen C0265215, MONDO:0018921.

Allele frequency attached by ClinVar (database versions not stated): gnomAD 0.00001.
gnomAD v4.1: 15 of 1,556,558 alleles (0.00096%); highest among the groups gnomAD compares: Non-Finnish European, 0.0012%; no homozygotes.

Submission:

Labcorp Genetics (formerly Invitae), Labcorp
Classification: Uncertain significance for Joubert syndrome; Meckel-Gruber syndrome; Nephronophthisis. Last evaluated: 2024-10-29. Review status: criteria provided, single submitter. Criteria: Invitae Variant Classification Sherloc (09022015). Collection method: clinical testing. Allele origin: germline.
Comment: This sequence change falls in intron 21 of the CEP290 gene. It does not directly change the encoded amino acid sequence of the CEP290 protein. It affects a nucleotide within the consensus splice site. The frequency data for this variant in the population databases is considered unreliable, as metrics indicate poor data quality at this position in the gnomAD database. This variant has not been reported in the literature in individuals affected with CEP290-related conditions. ClinVar contains an entry for this variant (Variation ID: 2147594). Variants that disrupt the consensus splice site are a relatively common cause of aberrant splicing (PMID: 17576681, 9536098). Algorithms developed to predict the effect of sequence changes on RNA splicing suggest that this variant is not likely to affect RNA splicing. In summary, the available evidence is currently insufficient to determine the role of this variant in disease. Therefore, it has been classified as a Variant of Uncertain Significance.

Literature cited by the submitters: PubMed 17576681; PubMed 9536098.